The following is an entry in ClinVar:

ClinVar aggregate classification (germline): Uncertain significance (1 of 4 stars; one submission).

Conditions:
Inborn genetic diseases. Identifiers: MedGen C0950123, MeSH D030342.

gnomAD v4.1: 1 of 1,604,226 alleles (0.000062%); highest among the groups gnomAD compares: South Asian, 0.0011%; no homozygotes.

Submission:

Ambry Genetics
Classification: Uncertain significance for Inborn genetic diseases. Last evaluated: 2026-08-18. Review status: criteria provided, single submitter. Criteria: Ambry Variant Classification Scheme 2023. Collection method: clinical testing. Allele origin: germline.
Comment: The p.Q918R variant (also known as c.2753A>G), located in coding exon 24 of the ANKRD26 gene, results from an A to G substitution at nucleotide position 2753. The glutamine at codon 918 is replaced by arginine, an amino acid with highly similar properties. This amino acid position is conserved. In addition, this alteration is predicted to be tolerated by in silico analysis. Based on the available evidence, the clinical significance of this variant remains unclear.

NM_014915.3(ANKRD26):c.2753A>G (p.Gln918Arg)

Gene: ANKRD26 (ankyrin repeat domain 26; minus strand). Cytogenetic location: 10p12.1.
Variant type: single nucleotide variant.
Coding change: c.2753A>G on transcript NM_014915.3 (MANE Select); coding-DNA position 2753, A replaced by G.
Protein change: p.Gln918Arg; replaces glutamine 918 with arginine.
Molecular consequence: missense variant.
Genome position (GRCh38, 1-based): chr10:27,035,697, T>C on the plus strand (A>G on the coding strand, the complement: ANKRD26 is on the minus strand). VCF-style: chr10-27035697-T-C. GRCh37 (hg19) VCF-style: chr10-27324626-T-C.
Other names: c.2750A>G, p.Gln917Arg (NM_001256053.2); short protein forms Q917R, Q918R.
Identifiers: ClinVar variation 5023584 (VCV005023584.1).